The following is an entry in ClinVar:

ClinVar aggregate classification (germline): Uncertain significance (1 of 4 stars; one submission).

Allele frequency attached by ClinVar (database versions not stated): TOPMed below 0.00001.

Submission:

GeneDx
Classification: Uncertain significance. Last evaluated: 2020-01-13. Review status: criteria provided, single submitter. Criteria: GeneDx Variant Classification Process June 2021. Collection method: clinical testing. Allele origin: germline. Affected: yes.
Comment: In silico analysis, which includes splice predictors and evolutionary conservation, supports that this variant does not alter protein structure/function; No data available from control populations to assess the frequency of this variant; Has not been previously published as pathogenic or benign to our knowledge

NC_000002.12:g.181680587C>T

Gene: NEUROD1 (neuronal differentiation 1; minus strand). Cytogenetic location: 2q31.3.
Variant type: single nucleotide variant.
Genome position: GRCh38 VCF-style: chr2-181680587-C-T. GRCh37 (hg19) VCF-style: chr2-182545314-C-T.
Identifiers: ClinVar variation 1311900 (VCV001311900.3), dbSNP rs1688677883, ClinGen allele CA430453332.